The following is an entry in ClinVar:

ClinVar aggregate classification (germline): Benign. Review status: criteria provided, multiple submitters, no conflicts (2 of 4 stars). 3 submissions from 3 submitters: Benign (2). 1 of the submissions does not count toward it. Last evaluated 2025-06-02.

Conditions:
RYR3-related disorder. Also called: RYR3-related condition.
Epileptic encephalopathy. Identifiers: MedGen C0543888, HP:0200134.

Allele frequency attached by ClinVar (database versions not stated): gnomAD exomes 0.00029 and 0.00072; ExAC 0.00092; ESP Exome Variant Server 0.00271; gnomAD 0.00315 and 0.00330; TOPMed 0.00331; 1000 Genomes Project 0.00559; 1000 Genomes Project 30x 0.00609.
gnomAD v4.1: 936 of 1,613,884 alleles (0.058%); highest among the groups gnomAD compares: African/African-American, 1.1%; 11 homozygotes.

Submissions (3):

Labcorp Genetics (formerly Invitae), Labcorp
Classification: Benign for Epileptic encephalopathy. Last evaluated: 2025-06-02. Review status: criteria provided, single submitter. Criteria: Invitae Variant Classification Sherloc (09022015). Collection method: clinical testing. Allele origin: germline.

Breakthrough Genomics
Classification: Benign. Review status: criteria provided, single submitter. Criteria: ACMG Guidelines, 2015. Collection method: not provided. Allele origin: germline. Inheritance: Unknown mechanism. Affected: yes.

PreventionGenetics, part of Exact Sciences
Classification: Benign for RYR3-related condition. Last evaluated: 2019-06-13. Review status: no assertion criteria provided. Collection method: clinical testing. Allele origin: germline. Not counted in ClinVar's aggregate classification.
Comment: This variant is classified as benign based on ACMG/AMP sequence variant interpretation guidelines (Richards et al. 2015 PMID: 25741868, with internal and published modifications).

NM_001036.6(RYR3):c.7581C>T (p.Tyr2527=)

Gene: RYR3 (ryanodine receptor 3; plus strand). Cytogenetic location: 15q14.
Variant type: single nucleotide variant.
Coding change: c.7581C>T on transcript NM_001036.6 (MANE Select); coding-DNA position 7581, C replaced by T.
Protein change: p.Tyr2527=; no amino-acid change (tyrosine 2527 retained).
Molecular consequence: synonymous variant.
Genome position (GRCh38, 1-based): chr15:33,738,515, C>T. VCF-style: chr15-33738515-C-T. GRCh37 (hg19) VCF-style: chr15-34030716-C-T.
Other names: c.7581C>T, p.Tyr2527= (NM_001243996.4).
Identifiers: ClinVar variation 461951 (VCV000461951.14), dbSNP rs112521485, ClinGen allele CA7459927.